The following is an entry in ClinVar:

ClinVar aggregate classification (germline): Uncertain significance. Review status: criteria provided, multiple submitters, no conflicts (2 of 4 stars). 2 submissions from 2 submitters: Uncertain significance (2). Last evaluated 2025-06-17.

Allele frequency attached by ClinVar (database versions not stated): gnomAD exomes 0.00003 and 0.00006; TOPMed 0.00003; ExAC 0.00004; gnomAD 0.00004.
gnomAD v4.1: 49 of 1,614,070 alleles (0.003%); highest among the groups gnomAD compares: Middle Eastern, 0.016%; 1 homozygote.

Submissions (2):

GeneDx
Classification: Uncertain significance. Last evaluated: 2025-06-17. Review status: criteria provided, single submitter. Criteria: GeneDx Variant Classification Process June 2021. Collection method: clinical testing. Allele origin: germline. Affected: yes.
Comment: In silico analysis supports that this missense variant has a deleterious effect on protein structure/function; Has not been previously published as pathogenic or benign to our knowledge

Labcorp Genetics (formerly Invitae), Labcorp
Classification: Uncertain significance. Last evaluated: 2023-10-13. Review status: criteria provided, single submitter. Criteria: Invitae Variant Classification Sherloc (09022015). Collection method: clinical testing. Allele origin: germline.
Comment: This sequence change replaces glutamic acid, which is acidic and polar, with lysine, which is basic and polar, at codon 405 of the KCNJ6 protein (p.Glu405Lys). This variant is present in population databases (rs758545337, gnomAD 0.02%). This variant has not been reported in the literature in individuals affected with KCNJ6-related conditions. ClinVar contains an entry for this variant (Variation ID: 1365568). An algorithm developed to predict the effect of missense changes on protein structure and function (PolyPhen-2) suggests that this variant is likely to be tolerated. In summary, the available evidence is currently insufficient to determine the role of this variant in disease. Therefore, it has been classified as a Variant of Uncertain Significance.

NM_002240.5(KCNJ6):c.1213G>A (p.Glu405Lys)

Genes: KCNJ6 (potassium inwardly rectifying channel subfamily J member 6; minus strand), KCNJ6-AS1 (KCNJ6 antisense RNA 1; plus strand). Cytogenetic location: 21q22.13.
Variant type: single nucleotide variant.
Coding change: c.1213G>A on transcript NM_002240.5 (MANE Select); coding-DNA position 1213, G replaced by A.
Protein change: p.Glu405Lys; replaces glutamic acid 405 with lysine.
Molecular consequence: missense variant.
Genome position (GRCh38, 1-based): chr21:37,625,218, C>T on the plus strand (G>A on the coding strand, the complement: KCNJ6 is on the minus strand). VCF-style: chr21-37625218-C-T. GRCh37 (hg19) VCF-style: chr21-38997520-C-T.
Other names: c.1213G>A (NM_002240.3); short protein forms E405K.
Identifiers: ClinVar variation 1365568 (VCV001365568.7), dbSNP rs758545337, ClinGen allele CA10024230.